The following is an entry in ClinVar:

NM_031844.3(HNRNPU):c.2123G>T (p.Gly708Val)

Gene: HNRNPU (heterogeneous nuclear ribonucleoprotein U; minus strand). Cytogenetic location: 1q44.
Variant type: single nucleotide variant.
Coding change: c.2123G>T on transcript NM_031844.3 (MANE Select); coding-DNA position 2123, G replaced by T.
Protein change: p.Gly708Val; replaces glycine 708 with valine.
Molecular consequence: missense variant.
Genome position (GRCh38, 1-based): chr1:244,855,948, C>A on the plus strand (G>T on the coding strand, the complement: HNRNPU is on the minus strand). VCF-style: chr1-244855948-C-A. GRCh37 (hg19) VCF-style: chr1-245019250-C-A.
Other names: c.2066G>T, p.Gly689Val (NM_004501.3); short protein forms G708V, G689V.
Identifiers: ClinVar variation 3681541 (VCV003681541.2).

ClinVar aggregate classification (germline): Uncertain significance (1 of 4 stars; one submission).

Conditions:
Developmental and epileptic encephalopathy, 54. Also called: HNRNPU-Related Neurodevelopmental Disorder; Epileptic encephalopathy, early infantile, 54. Identifiers: MedGen C4479319, MONDO:0033363, OMIM 617391.

gnomAD v4.1: 1 of 1,614,148 alleles (0.000062%); highest among the groups gnomAD compares: Non-Finnish European, 0.000085%; no homozygotes.

Submission:

Labcorp Genetics (formerly Invitae), Labcorp
Classification: Uncertain significance for Developmental and epileptic encephalopathy, 54. Last evaluated: 2024-07-01. Review status: criteria provided, single submitter. Criteria: Invitae Variant Classification Sherloc (09022015). Collection method: clinical testing. Allele origin: germline.
Comment: This sequence change replaces glycine, which is neutral and non-polar, with valine, which is neutral and non-polar, at codon 708 of the HNRNPU protein (p.Gly708Val). This variant is not present in population databases (gnomAD no frequency). This variant has not been reported in the literature in individuals affected with HNRNPU-related conditions. Advanced modeling of protein sequence and biophysical properties (such as structural, functional, and spatial information, amino acid conservation, physicochemical variation, residue mobility, and thermodynamic stability) performed at Invitae indicates that this missense variant is expected to disrupt HNRNPU protein function with a positive predictive value of 80%. In summary, the available evidence is currently insufficient to determine the role of this variant in disease. Therefore, it has been classified as a Variant of Uncertain Significance.